The following is an entry in ClinVar:

NM_003024.3(ITSN1):c.491_492del (p.Pro164fs)

Gene: ITSN1 (intersectin 1; plus strand). Cytogenetic location: 21q22.11.
Variant type: Deletion.
Coding change: c.491_492del on transcript NM_003024.3 (MANE Select); coding-DNA positions 491 to 492, 2 bases deleted (CT; older notation c.491_492delCT).
Protein change: p.Pro164fs; shifts the reading frame from proline 164.
Molecular consequence: frameshift variant.
Genome position (GRCh38, 1-based): chr21:33,750,287-33,750,288, CT deleted. VCF-style (leftmost placement, unchanged base first): chr21-33750286-CCT-C. GRCh37 (hg19) VCF-style: chr21-35122591-CCT-C.
Other names: c.491_492del, p.Pro164fs (NM_001001132.2, NM_001331008.2, NM_001331009.2 and 2 more transcripts); c.380_381del, p.Pro127fs (NM_001331012.2); short protein forms P127fs, P164fs.
Identifiers: ClinVar variation 4538391 (VCV004538391.1).
Genomic context (GRCh38, chr21:33,750,286, plus strand): 5'-CCAACCCTAGTATCTTCTGTTCCCACAGCAGCTGTGCCCCCCCTGGCTAACGGGGCTCCC[CCT>C]GTTATACAACCTCTGCCTGCATTTGCTCATCCTGGTATGTGACTTGCTGAAACCATAGGC-3'

ClinVar aggregate classification (germline): Uncertain significance (1 of 4 stars; one submission).

Submission:

Greenwood Genetic Center Diagnostic Laboratories, Greenwood Genetic Center
Classification: Uncertain significance. Last evaluated: 2025-04-03. Review status: criteria provided, single submitter. Criteria: ACMG Guidelines, 2015. Collection method: clinical testing. Allele origin: germline. Affected: yes.
Comment: Gene of Uncertain Significance